The following is an entry in ClinVar:

ClinVar aggregate classification (germline): Conflicting classifications of pathogenicity. Review status: criteria provided, conflicting classifications (1 of 4 stars). 2 submissions from 2 submitters: Uncertain significance (1); Likely benign (1). Last evaluated 2026-08-01.

Allele frequency attached by ClinVar (database versions not stated): ExAC 0.00002.
gnomAD v4.1: 5 of 1,613,800 alleles (0.00031%); highest among the groups gnomAD compares: South Asian, 0.0033%; no homozygotes.

Submissions (2):

CeGaT Center for Human Genetics Tuebingen
Classification: Likely benign. Last evaluated: 2026-08-01. Review status: criteria provided, single submitter. Criteria: CeGaT Center For Human Genetics Tuebingen Variant Classification Criteria Version 2. Collection method: clinical testing. Allele origin: germline. Affected: yes. Observed: 1 variant allele.
Comment: MTOR: BS1

Labcorp Genetics (formerly Invitae), Labcorp
Classification: Uncertain significance. Last evaluated: 2022-04-25. Review status: criteria provided, single submitter. Criteria: Invitae Variant Classification Sherloc (09022015). Collection method: clinical testing. Allele origin: germline.
Comment: In summary, the available evidence is currently insufficient to determine the role of this variant in disease. Therefore, it has been classified as a Variant of Uncertain Significance. Algorithms developed to predict the effect of missense changes on protein structure and function (SIFT, PolyPhen-2, Align-GVGD) all suggest that this variant is likely to be tolerated. This variant has not been reported in the literature in individuals affected with MTOR-related conditions. This variant is present in population databases (rs750592225, gnomAD 0.007%). This sequence change replaces arginine, which is basic and polar, with glutamine, which is neutral and polar, at codon 1203 of the MTOR protein (p.Arg1203Gln).

NM_004958.4(MTOR):c.3608G>A (p.Arg1203Gln)

Gene: MTOR (mechanistic target of rapamycin kinase; minus strand). Cytogenetic location: 1p36.22.
Variant type: single nucleotide variant.
Coding change: c.3608G>A on transcript NM_004958.4 (MANE Select); coding-DNA position 3608, G replaced by A.
Protein change: p.Arg1203Gln; replaces arginine 1203 with glutamine.
Molecular consequence: missense variant.
Genome position (GRCh38, 1-based): chr1:11,210,860, C>T on the plus strand (G>A on the coding strand, the complement: MTOR is on the minus strand). VCF-style: chr1-11210860-C-T. GRCh37 (hg19) VCF-style: chr1-11270917-C-T.
Other names: c.3608G>A, p.Arg1203Gln (NM_001386500.1); c.2360G>A, p.Arg787Gln (NM_001386501.1); short protein forms R787Q, R1203Q.
Identifiers: ClinVar variation 1898325 (VCV001898325.6), dbSNP rs750592225, ClinGen allele CA590179.